The following is an entry in ClinVar:

ClinVar aggregate classification (germline): Uncertain significance (1 of 4 stars; one submission).

Conditions:
Dilated cardiomyopathy 1HH (CMD1HH). Identifiers: Orphanet 154, MedGen C3151293, MONDO:0013479, OMIM 613881.
Myofibrillar myopathy 6. Identifiers: Orphanet 199340, MedGen C2751831, MONDO:0013061, OMIM 612954.

Allele frequency attached by ClinVar (database versions not stated): TOPMed below 0.00001.

Submission:

Labcorp Genetics (formerly Invitae), Labcorp
Classification: Uncertain significance for Dilated cardiomyopathy 1HH; Myofibrillar myopathy 6. Last evaluated: 2021-03-23. Review status: criteria provided, single submitter. Criteria: Invitae Variant Classification Sherloc (09022015). Collection method: clinical testing. Allele origin: germline.
Comment: In summary, the available evidence is currently insufficient to determine the role of this variant in disease. Therefore, it has been classified as a Variant of Uncertain Significance. Nucleotide substitutions within the consensus splice site are a relatively common cause of aberrant splicing (PMID: 17576681, 9536098). Algorithms developed to predict the effect of sequence changes on RNA splicing suggest that this variant is not likely to affect RNA splicing, but this prediction has not been confirmed by published transcriptional studies. This variant has not been reported in the literature in individuals with BAG3-related conditions. This variant is not present in population databases (ExAC no frequency). This sequence change falls in intron 3 of the BAG3 gene. It does not directly change the encoded amino acid sequence of the BAG3 protein. It affects a nucleotide within the consensus splice site of the intron.

Literature cited by the submitters: PubMed 17576681; PubMed 9536098.

NM_004281.4(BAG3):c.909+4C>A

Gene: BAG3 (BAG cochaperone 3; plus strand). Cytogenetic location: 10q26.11.
Variant type: single nucleotide variant.
Coding change: c.909+4C>A on transcript NM_004281.4 (MANE Select); 4 bases into the intron after coding-DNA position 909, C replaced by A.
Molecular consequence: intron variant.
Genome position (GRCh38, 1-based): chr10:119,672,660, C>A. VCF-style: chr10-119672660-C-A. GRCh37 (hg19) VCF-style: chr10-121432172-C-A.
Identifiers: ClinVar variation 1415858 (VCV001415858.6), dbSNP rs376351857, ClinGen allele CA933134000.